The following is an entry in ClinVar:

ClinVar aggregate classification (germline): Uncertain significance. Review status: criteria provided, multiple submitters, no conflicts (2 of 4 stars). 2 submissions from 2 submitters: Uncertain significance (2). Last evaluated 2024-02-18.

Conditions:
Neuroblastoma, susceptibility to, 3. Also called: ALK-Related Neuroblastic Tumor Susceptibility. Identifiers: Orphanet 635, MedGen C2751681, MONDO:0013083, OMIM 613014.
Hereditary cancer-predisposing syndrome. Also called: Hereditary neoplastic syndrome; Tumor predisposition; Neoplastic Syndromes, Hereditary; Hereditary Cancer Syndrome. Identifiers: Orphanet 140162, MedGen C0027672, MeSH D009386, MONDO:0015356.

Submissions (2):

Labcorp Genetics (formerly Invitae), Labcorp
Classification: Uncertain significance for Neuroblastoma, susceptibility to, 3. Last evaluated: 2024-02-18. Review status: criteria provided, single submitter. Criteria: Invitae Variant Classification Sherloc (09022015). Collection method: clinical testing. Allele origin: germline.
Comment: This sequence change replaces proline, which is neutral and non-polar, with threonine, which is neutral and polar, at codon 1398 of the ALK protein (p.Pro1398Thr). This variant is not present in population databases (gnomAD no frequency). This variant has not been reported in the literature in individuals affected with ALK-related conditions. ClinVar contains an entry for this variant (Variation ID: 2476822). An algorithm developed to predict the effect of missense changes on protein structure and function (PolyPhen-2) suggests that this variant is likely to be disruptive. In summary, the available evidence is currently insufficient to determine the role of this variant in disease. Therefore, it has been classified as a Variant of Uncertain Significance.

Ambry Genetics
Classification: Uncertain significance for Hereditary cancer-predisposing syndrome. Last evaluated: 2022-12-12. Review status: criteria provided, single submitter. Criteria: Ambry Variant Classification Scheme 2023. Collection method: clinical testing. Allele origin: germline.
Comment: The p.P1398T variant (also known as c.4192C>A), located in coding exon 29 of the ALK gene, results from a C to A substitution at nucleotide position 4192. The proline at codon 1398 is replaced by threonine, an amino acid with highly similar properties. This amino acid position is conserved. In addition, this alteration is predicted to be deleterious by in silico analysis. Since supporting evidence is limited at this time, the clinical significance of this alteration remains unclear.

NM_004304.5(ALK):c.4192C>A (p.Pro1398Thr)

Gene: ALK (ALK receptor tyrosine kinase; minus strand). Cytogenetic location: 2p23.2.
Variant type: single nucleotide variant.
Coding change: c.4192C>A on transcript NM_004304.5 (MANE Select); coding-DNA position 4192, C replaced by A.
Protein change: p.Pro1398Thr; replaces proline 1398 with threonine.
Molecular consequence: missense variant.
Genome position (GRCh38, 1-based): chr2:29,193,895, G>T on the plus strand (C>A on the coding strand, the complement: ALK is on the minus strand). VCF-style: chr2-29193895-G-T. GRCh37 (hg19) VCF-style: chr2-29416761-G-T.
Other names: c.988C>A, p.Pro330Thr (NM_001353765.2); short protein forms P330T, P1398T.
Identifiers: ClinVar variation 2476822 (VCV002476822.4), dbSNP rs2148139101, ClinGen allele CA346463411.